The following is an entry in ClinVar:

ClinVar aggregate classification (germline): Uncertain significance (1 of 4 stars; one submission).

Allele frequency attached by ClinVar (database versions not stated): gnomAD exomes 0.00001.
gnomAD v4.1: 9 of 1,614,138 alleles (0.00056%); highest among the groups gnomAD compares: Non-Finnish European, 0.00076%; no homozygotes.

Submission:

Labcorp Genetics (formerly Invitae), Labcorp
Classification: Uncertain significance. Last evaluated: 2021-09-09. Review status: criteria provided, single submitter. Criteria: Invitae Variant Classification Sherloc (09022015). Collection method: clinical testing. Allele origin: germline.
Comment: Algorithms developed to predict the effect of missense changes on protein structure and function (SIFT, PolyPhen-2, Align-GVGD) all suggest that this variant is likely to be disruptive. This variant has not been reported in the literature in individuals affected with IMPG2-related conditions. This variant is not present in population databases (ExAC no frequency). This sequence change replaces glutamic acid with lysine at codon 240 of the IMPG2 protein (p.Glu240Lys). The glutamic acid residue is highly conserved and there is a small physicochemical difference between glutamic acid and lysine. In summary, the available evidence is currently insufficient to determine the role of this variant in disease. Therefore, it has been classified as a Variant of Uncertain Significance.

NM_016247.4(IMPG2):c.718G>A (p.Glu240Lys)

Gene: IMPG2 (interphotoreceptor matrix proteoglycan 2; minus strand). Cytogenetic location: 3q12.3.
Variant type: single nucleotide variant.
Coding change: c.718G>A on transcript NM_016247.4 (MANE Select); coding-DNA position 718, G replaced by A.
Protein change: p.Glu240Lys; replaces glutamic acid 240 with lysine.
Molecular consequence: missense variant.
Genome position (GRCh38, 1-based): chr3:101,273,691, C>T on the plus strand (G>A on the coding strand, the complement: IMPG2 is on the minus strand). VCF-style: chr3-101273691-C-T. GRCh37 (hg19) VCF-style: chr3-100992535-C-T.
Other names: short protein forms E240K.
Identifiers: ClinVar variation 1518090 (VCV001518090.6), dbSNP rs2107251155, ClinGen allele CA353868071.